The following is an entry in ClinVar:

NM_001082486.2(ACD):c.175C>T (p.Leu59Phe)

Gene: ACD (ACD shelterin complex subunit and telomerase recruitment factor; minus strand). Cytogenetic location: 16q22.1.
Variant type: single nucleotide variant.
Coding change: c.175C>T on transcript NM_001082486.2 (MANE Select); coding-DNA position 175, C replaced by T.
Protein change: p.Leu59Phe; replaces leucine 59 with phenylalanine.
Molecular consequence: missense variant.
Genome position (GRCh38, 1-based): chr16:67,659,970, G>A on the plus strand (C>T on the coding strand, the complement: ACD is on the minus strand). VCF-style: chr16-67659970-G-A. GRCh37 (hg19) VCF-style: chr16-67693873-G-A.
Other names: c.166C>T, p.Leu56Phe (NM_022914.3); short protein forms L56F, L59F.
Identifiers: ClinVar variation 1450665 (VCV001450665.9), dbSNP rs368387402, ClinGen allele CA8114797.
Genomic context (GRCh38, chr16:67,659,970, plus strand): 5'-AGGTGTCCAGGGCCTCCCGCGTCACCAGGCATCGGACACTGTGGGTCCCGTCAGACACAA[G>A]CAGCGTGGCCCCGACGTCGGACGTATCAGGGGCGTGGGATGGGCCCGCGACCGCGGCCTC-3'
Protein context (NP_001075955.2, residues 49-69): PDTSDVGATL[Leu59Phe]VSDGTHSVRC

ClinVar aggregate classification (germline): Uncertain significance. Review status: criteria provided, multiple submitters, no conflicts (2 of 4 stars). 3 submissions from 3 submitters: Uncertain significance (3). Last evaluated 2024-10-08.

Conditions:
Dyskeratosis congenita, autosomal dominant 6 (DKCA6). Identifiers: Orphanet 3322, MedGen C4225284, MONDO:0014690, OMIM 616553.
Inborn genetic diseases. Identifiers: MedGen C0950123, MeSH D030342.

Allele frequency attached by ClinVar (database versions not stated): gnomAD 0.00001; ESP Exome Variant Server 0.00008.
gnomAD v4.1: 13 of 1,608,832 alleles (0.00081%); highest among the groups gnomAD compares: Non-Finnish European, 0.0011%; no homozygotes.

Submissions (3):

Blueprint Genetics
Classification: Uncertain significance. Last evaluated: 2024-10-08. Review status: criteria provided, single submitter. Criteria: ACMG Guidelines, 2015. Collection method: clinical testing. Allele origin: germline.

Ambry Genetics
Classification: Uncertain significance for Inborn genetic diseases. Last evaluated: 2022-12-06. Review status: criteria provided, single submitter. Criteria: Ambry Variant Classification Scheme 2023. Collection method: clinical testing. Allele origin: germline.

Labcorp Genetics (formerly Invitae), Labcorp
Classification: Uncertain significance for Dyskeratosis congenita, autosomal dominant 6. Last evaluated: 2022-11-04. Review status: criteria provided, single submitter. Criteria: Invitae Variant Classification Sherloc (09022015). Collection method: clinical testing. Allele origin: germline.
Comment: This sequence change replaces leucine, which is neutral and non-polar, with phenylalanine, which is neutral and non-polar, at codon 145 of the ACD protein (p.Leu145Phe). The frequency data for this variant in the population databases is considered unreliable, as metrics indicate poor data quality at this position in the gnomAD database. In summary, the available evidence is currently insufficient to determine the role of this variant in disease. Therefore, it has been classified as a Variant of Uncertain Significance. Advanced modeling of protein sequence and biophysical properties (such as structural, functional, and spatial information, amino acid conservation, physicochemical variation, residue mobility, and thermodynamic stability) has been performed at Invitae for this missense variant, however the output from this modeling did not meet the statistical confidence thresholds required to predict the impact of this variant on ACD protein function. ClinVar contains an entry for this variant (Variation ID: 1450665). This variant has not been reported in the literature in individuals affected with ACD-related conditions.